The following is an entry in ClinVar:

NM_005857.5(ZMPSTE24):c.137A>C (p.Lys46Thr)

Gene: ZMPSTE24 (zinc metallopeptidase STE24; plus strand). Cytogenetic location: 1p34.2.
Variant type: single nucleotide variant.
Coding change: c.137A>C on transcript NM_005857.5 (MANE Select); coding-DNA position 137, A replaced by C.
Protein change: p.Lys46Thr; replaces lysine 46 with threonine.
Molecular consequence: missense variant.
Genome position (GRCh38, 1-based): chr1:40,260,852, A>C. VCF-style: chr1-40260852-A-C. GRCh37 (hg19) VCF-style: chr1-40726524-A-C.
Other names: p.Lys46Thr; short protein forms K46T.
Identifiers: ClinVar variation 4541001 (VCV004541001.1).

ClinVar aggregate classification (germline): Uncertain significance (1 of 4 stars; one submission).

gnomAD v4.1: 27 of 1,613,932 alleles (0.0017%); highest among the groups gnomAD compares: African/African-American, 0.0027%; no homozygotes.

Submission:

Mayo Clinic Laboratories, Mayo Clinic
Classification: Uncertain significance. Last evaluated: 2025-01-03. Review status: criteria provided, single submitter. Criteria: ACMG Guidelines, 2015. Collection method: clinical testing. Allele origin: germline. Observed: 1 variant allele.
Comment: BP4, PM2_supporting